The following continues an entry in ClinVar:

NM_022168.4(IFIH1):c.2807+1G>A

Gene: IFIH1. ClinVar aggregate classification (germline): Conflicting classifications of pathogenicity. Pathogenic (1); Uncertain significance (1); Benign (4); Likely benign (6).

Submissions 61 to 102 of 102:

Dr. Peter K. Rogan Lab, Western University
No classification provided (evidence only). Condition: Malignant lymphoma, large B-cell, diffuse. Review status: no classification provided. Collection method: in vitro. Allele origin: not applicable. Functional consequence: skipped exon, retained intron. Not counted in ClinVar's aggregate classification.

Dr. Peter K. Rogan Lab, Western University
No classification provided (evidence only). Condition: Malignant lymphoma, large B-cell, diffuse. Review status: no classification provided. Collection method: in vitro. Allele origin: not applicable. Functional consequence: skipped exon, retained intron. Not counted in ClinVar's aggregate classification.

Dr. Peter K. Rogan Lab, Western University
No classification provided (evidence only). Condition: Malignant lymphoma, large B-cell, diffuse. Review status: no classification provided. Collection method: in vitro. Allele origin: not applicable. Functional consequence: skipped exon, retained intron. Not counted in ClinVar's aggregate classification.

Dr. Peter K. Rogan Lab, Western University
No classification provided (evidence only). Condition: Malignant lymphoma, large B-cell, diffuse. Review status: no classification provided. Collection method: in vitro. Allele origin: not applicable. Functional consequence: skipped exon, retained intron. Not counted in ClinVar's aggregate classification.

Dr. Peter K. Rogan Lab, Western University
No classification provided (evidence only). Condition: Hepatocellular carcinoma. Review status: no classification provided. Collection method: in vitro. Allele origin: not applicable. Functional consequence: skipped exon. Not counted in ClinVar's aggregate classification.

Dr. Peter K. Rogan Lab, Western University
No classification provided (evidence only). Condition: Hepatocellular carcinoma. Review status: no classification provided. Collection method: in vitro. Allele origin: not applicable. Functional consequence: skipped exon. Not counted in ClinVar's aggregate classification.

Dr. Peter K. Rogan Lab, Western University
No classification provided (evidence only). Condition: Hepatocellular carcinoma. Review status: no classification provided. Collection method: in vitro. Allele origin: not applicable. Functional consequence: skipped exon. Not counted in ClinVar's aggregate classification.

Dr. Peter K. Rogan Lab, Western University
No classification provided (evidence only). Condition: Hepatocellular carcinoma. Review status: no classification provided. Collection method: in vitro. Allele origin: not applicable. Functional consequence: skipped exon, retained intron. Not counted in ClinVar's aggregate classification.

Dr. Peter K. Rogan Lab, Western University
No classification provided (evidence only). Condition: Hepatocellular carcinoma. Review status: no classification provided. Collection method: in vitro. Allele origin: not applicable. Functional consequence: skipped exon, retained intron. Not counted in ClinVar's aggregate classification.

Dr. Peter K. Rogan Lab, Western University
No classification provided (evidence only). Condition: Thymoma. Review status: no classification provided. Collection method: in vitro. Allele origin: not applicable. Functional consequence: skipped exon. Not counted in ClinVar's aggregate classification.

Dr. Peter K. Rogan Lab, Western University
No classification provided (evidence only). Condition: Thymoma. Review status: no classification provided. Collection method: in vitro. Allele origin: not applicable. Functional consequence: skipped exon. Not counted in ClinVar's aggregate classification.

Dr. Peter K. Rogan Lab, Western University
No classification provided (evidence only). Condition: Ovarian serous cystadenocarcinoma. Review status: no classification provided. Collection method: in vitro. Allele origin: not applicable. Functional consequence: retained intron. Not counted in ClinVar's aggregate classification.

Dr. Peter K. Rogan Lab, Western University
No classification provided (evidence only). Condition: Ovarian serous cystadenocarcinoma. Review status: no classification provided. Collection method: in vitro. Allele origin: not applicable. Functional consequence: retained intron. Not counted in ClinVar's aggregate classification.

Dr. Peter K. Rogan Lab, Western University
No classification provided (evidence only). Condition: Ovarian serous cystadenocarcinoma. Review status: no classification provided. Collection method: in vitro. Allele origin: not applicable. Functional consequence: retained intron. Not counted in ClinVar's aggregate classification.

Dr. Peter K. Rogan Lab, Western University
No classification provided (evidence only). Condition: Ovarian serous cystadenocarcinoma. Review status: no classification provided. Collection method: in vitro. Allele origin: not applicable. Functional consequence: retained intron. Not counted in ClinVar's aggregate classification.

Dr. Peter K. Rogan Lab, Western University
No classification provided (evidence only). Condition: Gastric cancer. Review status: no classification provided. Collection method: in vitro. Allele origin: not applicable. Functional consequence: retained intron. Not counted in ClinVar's aggregate classification.

Dr. Peter K. Rogan Lab, Western University
No classification provided (evidence only). Condition: Gastric cancer. Review status: no classification provided. Collection method: in vitro. Allele origin: not applicable. Functional consequence: retained intron. Not counted in ClinVar's aggregate classification.

Dr. Peter K. Rogan Lab, Western University
No classification provided (evidence only). Condition: Gastric cancer. Review status: no classification provided. Collection method: in vitro. Allele origin: not applicable. Functional consequence: retained intron. Not counted in ClinVar's aggregate classification.

Dr. Peter K. Rogan Lab, Western University
No classification provided (evidence only). Condition: Adrenocortical carcinoma, hereditary. Review status: no classification provided. Collection method: in vitro. Allele origin: not applicable. Functional consequence: skipped exon, retained intron. Not counted in ClinVar's aggregate classification.

Dr. Peter K. Rogan Lab, Western University
No classification provided (evidence only). Condition: Uterine carcinosarcoma. Review status: no classification provided. Collection method: in vitro. Allele origin: not applicable. Functional consequence: skipped exon, retained intron. Not counted in ClinVar's aggregate classification.

Dr. Peter K. Rogan Lab, Western University
No classification provided (evidence only). Condition: Uveal melanoma. Review status: no classification provided. Collection method: in vitro. Allele origin: not applicable. Functional consequence: skipped exon. Not counted in ClinVar's aggregate classification.

Dr. Peter K. Rogan Lab, Western University
No classification provided (evidence only). Condition: Uveal melanoma. Review status: no classification provided. Collection method: in vitro. Allele origin: not applicable. Functional consequence: skipped exon. Not counted in ClinVar's aggregate classification.

Dr. Peter K. Rogan Lab, Western University
No classification provided (evidence only). Condition: Malignant tumor of esophagus. Review status: no classification provided. Collection method: in vitro. Allele origin: not applicable. Functional consequence: skipped exon, retained intron. Not counted in ClinVar's aggregate classification.

Dr. Peter K. Rogan Lab, Western University
No classification provided (evidence only). Condition: Malignant tumor of esophagus. Review status: no classification provided. Collection method: in vitro. Allele origin: not applicable. Functional consequence: skipped exon, retained intron. Not counted in ClinVar's aggregate classification.

Dr. Peter K. Rogan Lab, Western University
No classification provided (evidence only). Condition: Malignant tumor of esophagus. Review status: no classification provided. Collection method: in vitro. Allele origin: not applicable. Functional consequence: skipped exon, retained intron. Not counted in ClinVar's aggregate classification.

Dr. Peter K. Rogan Lab, Western University
No classification provided (evidence only). Condition: Malignant tumor of esophagus. Review status: no classification provided. Collection method: in vitro. Allele origin: not applicable. Functional consequence: skipped exon, retained intron. Not counted in ClinVar's aggregate classification.

Dr. Peter K. Rogan Lab, Western University
No classification provided (evidence only). Condition: Chronic lymphocytic leukemia/small lymphocytic lymphoma. Review status: no classification provided. Collection method: in vitro. Allele origin: not applicable. Functional consequence: skipped exon, retained intron. Not counted in ClinVar's aggregate classification.

Dr. Peter K. Rogan Lab, Western University
No classification provided (evidence only). Condition: Chronic lymphocytic leukemia/small lymphocytic lymphoma. Review status: no classification provided. Collection method: in vitro. Allele origin: not applicable. Functional consequence: skipped exon, retained intron. Not counted in ClinVar's aggregate classification.

Dr. Peter K. Rogan Lab, Western University
No classification provided (evidence only). Condition: Nonpapillary renal cell carcinoma. Review status: no classification provided. Collection method: in vitro. Allele origin: not applicable. Functional consequence: skipped exon, retained intron. Not counted in ClinVar's aggregate classification.

Dr. Peter K. Rogan Lab, Western University
No classification provided (evidence only). Condition: Nonpapillary renal cell carcinoma. Review status: no classification provided. Collection method: in vitro. Allele origin: not applicable. Functional consequence: skipped exon, retained intron. Not counted in ClinVar's aggregate classification.

Dr. Peter K. Rogan Lab, Western University
No classification provided (evidence only). Condition: Familial pancreatic carcinoma. Review status: no classification provided. Collection method: in vitro. Allele origin: not applicable. Functional consequence: skipped exon, retained intron. Not counted in ClinVar's aggregate classification.

Dr. Peter K. Rogan Lab, Western University
No classification provided (evidence only). Condition: Hepatocellular carcinoma. Review status: no classification provided. Collection method: in vitro. Allele origin: not applicable. Functional consequence: skipped exon, retained intron. Not counted in ClinVar's aggregate classification.

Dr. Peter K. Rogan Lab, Western University
No classification provided (evidence only). Condition: Hepatocellular carcinoma. Review status: no classification provided. Collection method: in vitro. Allele origin: not applicable. Functional consequence: skipped exon, retained intron. Not counted in ClinVar's aggregate classification.

Dr. Peter K. Rogan Lab, Western University
No classification provided (evidence only). Condition: Hepatocellular carcinoma. Review status: no classification provided. Collection method: in vitro. Allele origin: not applicable. Functional consequence: skipped exon, retained intron. Not counted in ClinVar's aggregate classification.

Dr. Peter K. Rogan Lab, Western University
No classification provided (evidence only). Condition: Hepatocellular carcinoma. Review status: no classification provided. Collection method: in vitro. Allele origin: not applicable. Functional consequence: skipped exon, retained intron. Not counted in ClinVar's aggregate classification.

Dr. Peter K. Rogan Lab, Western University
No classification provided (evidence only). Condition: Hepatocellular carcinoma. Review status: no classification provided. Collection method: in vitro. Allele origin: not applicable. Functional consequence: skipped exon, retained intron. Not counted in ClinVar's aggregate classification.

Dr. Peter K. Rogan Lab, Western University
No classification provided (evidence only). Condition: Hepatocellular carcinoma. Review status: no classification provided. Collection method: in vitro. Allele origin: not applicable. Functional consequence: skipped exon, retained intron. Not counted in ClinVar's aggregate classification.

Dr. Peter K. Rogan Lab, Western University
No classification provided (evidence only). Condition: Hepatocellular carcinoma. Review status: no classification provided. Collection method: in vitro. Allele origin: not applicable. Functional consequence: skipped exon, retained intron. Not counted in ClinVar's aggregate classification.

Dr. Peter K. Rogan Lab, Western University
No classification provided (evidence only). Condition: Ovarian cancer. Review status: no classification provided. Collection method: in vitro. Allele origin: not applicable. Functional consequence: skipped exon, retained intron. Not counted in ClinVar's aggregate classification.

Dr. Peter K. Rogan Lab, Western University
No classification provided (evidence only). Condition: Ovarian cancer. Review status: no classification provided. Collection method: in vitro. Allele origin: not applicable. Functional consequence: skipped exon, retained intron. Not counted in ClinVar's aggregate classification.

Dr. Peter K. Rogan Lab, Western University
No classification provided (evidence only). Condition: Ovarian cancer. Review status: no classification provided. Collection method: in vitro. Allele origin: not applicable. Functional consequence: skipped exon, retained intron. Not counted in ClinVar's aggregate classification.

Dr. Peter K. Rogan Lab, Western University
No classification provided (evidence only). Condition: Ovarian cancer. Review status: no classification provided. Collection method: in vitro. Allele origin: not applicable. Functional consequence: skipped exon, retained intron. Not counted in ClinVar's aggregate classification.

Literature cited by the submitters: PubMed 28716935 (cited by Mayo Clinic Laboratories, Mayo Clinic and OMIM); PubMed 34185153 (cited by Mayo Clinic Laboratories, Mayo Clinic and OMIM); PubMed 36703223 (cited by Mayo Clinic Laboratories, Mayo Clinic); PubMed 38757311 (cited by Mayo Clinic Laboratories, Mayo Clinic).